The following is an entry in ClinVar:

NM_001374353.1(GLI2):c.83_96del (p.Pro28fs)

Gene: GLI2 (GLI family zinc finger 2; plus strand). Cytogenetic location: 2q14.2.
Variant type: Deletion.
Coding change: c.83_96del on transcript NM_001374353.1 (MANE Select); coding-DNA positions 83 to 96, 14 bases deleted (CGGGTAAAAAGGCC).
Protein change: p.Pro28fs; shifts the reading frame from proline 28.
Molecular consequence: frameshift variant. On other transcripts: 5 prime UTR variant (1).
Genome position (GRCh38, 1-based): chr2:120,797,403-120,797,416, CGGGTAAAAAGGCC deleted; deleting any 14 consecutive bases within chr2:120,797,401-120,797,416 gives the same sequence; the c. name uses the placement nearest the transcript's 3' end. VCF-style (leftmost placement, unchanged base first): chr2-120797400-ACCCGGGTAAAAAGG-A. GRCh37 (hg19) VCF-style: chr2-121554976-ACCCGGGTAAAAAGG-A.
Other names: c.83_96del14 (NM_005270.4); c.83_96del, p.Pro28fs (NM_001371271.1, NM_005270.5); c.-187_-174del (NM_001374354.1); short protein forms P28fs.
Identifiers: ClinVar variation 1804503 (VCV001804503.3), dbSNP rs773943622, ClinGen allele CA1851392.

ClinVar aggregate classification (germline): Uncertain significance. Review status: criteria provided, single submitter (1 of 4 stars). 2 submissions from 2 submitters: Uncertain significance (1). 1 of the submissions does not count toward it. Last evaluated 2024-12-09.

Conditions:
GLI2-related disorder. Also called: GLI2-related condition; GLI2-related disorders.

Submissions (2):

GeneDx
Classification: Uncertain significance. Last evaluated: 2024-12-09. Review status: criteria provided, single submitter. Criteria: GeneDx Variant Classification Process June 2021. Collection method: clinical testing. Allele origin: germline.
Comment: Reported in one individual with a neurodevelopmental disorder; however, detailed clinical information was not provided (PMID: 28191889); Frameshift variant predicted to result in protein truncation or nonsense mediated decay in a gene for which loss of function is a known mechanism of disease; This variant is associated with the following publications: (PMID: 28191889)

PreventionGenetics, part of Exact Sciences
Classification: Uncertain significance for GLI2-related condition. Last evaluated: 2024-08-16. Review status: no assertion criteria provided. Collection method: clinical testing. Allele origin: germline. Not counted in ClinVar's aggregate classification.
Comment: The GLI2 c.83_96del14 variant is predicted to result in a frameshift and premature protein termination (p.Pro28Leufs*33). This variant was identified in a large-scale study of individuals with neurodevelopmental disorders, although the specific phenotype of this individual was not described (Stessman et al 2017. PubMed ID: 28191889). This variant is reported in 0.0087% of alleles in individuals of Latino descent in gnomAD. Although we suspect that this variant may be pathogenic, at this time, the clinical significance of this variant is uncertain due to the absence of conclusive functional and genetic evidence.